The following is an entry in ClinVar:

ClinVar aggregate classification (germline): Uncertain significance (0 of 4 stars; one submission).

Conditions:
NOTCH1-related disorder. Also called: NOTCH1-related condition; NOTCH1-related disorders.

Allele frequency attached by ClinVar (database versions not stated): gnomAD 0.00001; TOPMed below 0.00001.

Submission:

PreventionGenetics, part of Exact Sciences
Classification: Uncertain significance for NOTCH1-related condition. Last evaluated: 2023-11-22. Review status: no assertion criteria provided. Collection method: clinical testing. Allele origin: germline.
Comment: The NOTCH1 c.11T>C variant is predicted to result in the amino acid substitution p.Leu4Pro. To our knowledge, this variant has not been reported in the literature or in a large population database, indicating this variant is rare. At this time, the clinical significance of this variant is uncertain due to the absence of conclusive functional and genetic evidence.

NM_017617.5(NOTCH1):c.11T>C (p.Leu4Pro)

Genes: NOTCH1 (notch receptor 1; minus strand), LOC130003020 (ATAC-STARR-seq lymphoblastoid silent region 20528; plus strand). Cytogenetic location: 9q34.3.
Variant type: single nucleotide variant.
Coding change: c.11T>C on transcript NM_017617.5 (MANE Select); coding-DNA position 11, T replaced by C.
Protein change: p.Leu4Pro; replaces leucine 4 with proline.
Molecular consequence: missense variant.
Genome position (GRCh38, 1-based): chr9:136,545,776, A>G on the plus strand (T>C on the coding strand, the complement: NOTCH1 is on the minus strand). VCF-style: chr9-136545776-A-G. GRCh37 (hg19) VCF-style: chr9-139440228-A-G.
Other names: short protein forms L4P.
Identifiers: ClinVar variation 3031449 (VCV003031449.2), dbSNP rs1260556792, ClinGen allele CA375579906.